The following is an entry in ClinVar:

NM_000169.3(GLA):c.1146C>G (p.Cys382Trp)

Genes: GLA (galactosidase alpha; minus strand), RPL36A-HNRNPH2 (RPL36A-HNRNPH2 readthrough; plus strand). Cytogenetic location: Xq22.1.
Variant type: single nucleotide variant.
Coding change: c.1146C>G on transcript NM_000169.3 (MANE Select); coding-DNA position 1146, C replaced by G.
Protein change: p.Cys382Trp; replaces cysteine 382 with tryptophan.
Molecular consequence: missense variant. On other transcripts: non-coding transcript variant (3), intron variant (2).
Genome position (GRCh38, 1-based): chrX:101,397,953, G>C on the plus strand (C>G on the coding strand, the complement: GLA is on the minus strand). VCF-style: chrX-101397953-G-C. GRCh37 (hg19) VCF-style: chrX-100652941-G-C.
Other names: c.1269C>G, p.Cys423Trp (NM_001406747.1); c.300+2496G>C (NM_001199973.2); c.177+6131G>C (NM_001199974.2); short protein forms C382W, C423W.
Identifiers: ClinVar variation 4087646 (VCV004087646.2).

ClinVar aggregate classification (germline): Pathogenic (1 of 4 stars; one submission).

Conditions:
Fabry disease. Also called: ALPHA-GALACTOSIDASE A DEFICIENCY; ANDERSON-FABRY DISEASE; CERAMIDE TRIHEXOSIDASE DEFICIENCY; GLA DEFICIENCY; HEREDITARY DYSTOPIC LIPIDOSIS; Angiokeratoma corporis diffusum. Identifiers: Orphanet 324, MedGen C0002986, MONDO:0010526, OMIM 301500, HP:0001071. Disease mechanism: Fabry disease is due to inactivating mutations in the X-linked GLA gene resulting in deficiency of the enzyme Alpha Galactosidase-A., loss of function.

Submission:

Genomenon, Inc
Classification: Pathogenic for Fabry disease. Last evaluated: 2026-09-08. Review status: criteria provided, single submitter. Criteria: Genomenon Sequence Variant Interpretation Standards - Updated. Collection method: curation. Allele origin: germline. Affected: yes.
Comment: GLA p.Cys382Trp (c.1146C>G) is a missense variant that changes the amino acid at codon 382 from Cysteine to Tryptophan. This variant has been observed in at least one proband with clinical features consistent with Fabry disease (PMID:12512750). At least one functional study has demonstrated a substantial alteration in protein function relative to the wild-type (PMID:27657681). This variant is located in a mutational hotspot and/or important functional domain. It is absent or not present at a significant frequency in gnomAD. In silico models predict that this variant is possibly or probably damaging. In conclusion, we classify GLA p.Cys382Trp (c.1146C>G) as a pathogenic variant.

Literature cited by the submitters: PubMed 12512750; PubMed 27657681.